The following is an entry in ClinVar:

ClinVar aggregate classification (germline): Likely pathogenic (1 of 4 stars; one submission).

Conditions:
Autosomal recessive nonsyndromic hearing loss 36. Also called: DEAFNESS, AUTOSOMAL RECESSIVE 36, WITH VESTIBULAR INVOLVEMENT; Deafness, autosomal recessive 36. Identifiers: Orphanet 90636, MedGen C1837007, MONDO:0012170, OMIM 609006.

Allele frequency attached by ClinVar (database versions not stated): gnomAD 0.00001.
gnomAD v4.1: 1 of 1,613,036 alleles (0.000062%); no homozygotes.

Submission:

3billion
Classification: Likely pathogenic for Autosomal recessive nonsyndromic hearing loss 36. Last evaluated: 2022-01-03. Review status: criteria provided, single submitter. Criteria: ACMG Guidelines, 2015. Collection method: clinical testing. Allele origin: germline. Affected: yes. Observed: 1 homozygote.
Comment: Stop-gained (nonsense): predicted to result in a loss or disruption of normal protein function through protein truncation. Multiple pathogenic variants are reported in the predicted truncated region (PVS1_S). It is not observed in the gnomAD v2.1.1 dataset (PM2_M). Therefore, this variant is classified as likely pathogenic according to the recommendation of ACMG/AMP guideline.

NM_031475.3(ESPN):c.2524C>T (p.Arg842Ter)

Gene: ESPN (espin; plus strand). Cytogenetic location: 1p36.31.
Variant type: single nucleotide variant.
Coding change: c.2524C>T on transcript NM_031475.3 (MANE Select); coding-DNA position 2524, C replaced by T.
Protein change: p.Arg842Ter; replaces arginine 842 with a stop codon.
Molecular consequence: nonsense.
Genome position (GRCh38, 1-based): chr1:6,460,105, C>T. VCF-style: chr1-6460105-C-T. GRCh37 (hg19) VCF-style: chr1-6520165-C-T.
Other names: c.2434C>T, p.Arg812Ter (NM_001367473.1); c.2461C>T, p.Arg821Ter (NM_001367474.1); short protein forms R812*, R821*, R842*.
Identifiers: ClinVar variation 1333558 (VCV001333558.1), dbSNP rs1644131579, ClinGen allele CA338104240.